The following is an entry in ClinVar:

ClinVar aggregate classification (germline): Uncertain significance (1 of 4 stars; one submission).

Conditions:
Epileptic encephalopathy. Identifiers: MedGen C0543888, HP:0200134.

Allele frequency attached by ClinVar (database versions not stated): ExAC 0.00002; TOPMed 0.00002.
gnomAD v4.1: 30 of 1,612,524 alleles (0.0019%); highest among the groups gnomAD compares: Non-Finnish European, 0.0022%; no homozygotes.

Submission:

Labcorp Genetics (formerly Invitae), Labcorp
Classification: Uncertain significance for Epileptic encephalopathy. Last evaluated: 2025-04-07. Review status: criteria provided, single submitter. Criteria: Invitae Variant Classification Sherloc (09022015). Collection method: clinical testing. Allele origin: germline.
Comment: This sequence change replaces arginine, which is basic and polar, with cysteine, which is neutral and slightly polar, at codon 512 of the FASN protein (p.Arg512Cys). This variant is present in population databases (rs767886787, gnomAD 0.004%). This variant has not been reported in the literature in individuals affected with FASN-related conditions. ClinVar contains an entry for this variant (Variation ID: 1006495). An algorithm developed to predict the effect of missense changes on protein structure and function (PolyPhen-2) suggests that this variant is likely to be tolerated. In summary, the available evidence is currently insufficient to determine the role of this variant in disease. Therefore, it has been classified as a Variant of Uncertain Significance.

NM_004104.5(FASN):c.1534C>T (p.Arg512Cys)

Gene: FASN (fatty acid synthase; minus strand). Cytogenetic location: 17q25.3.
Variant type: single nucleotide variant.
Coding change: c.1534C>T on transcript NM_004104.5 (MANE Select); coding-DNA position 1534, C replaced by T.
Protein change: p.Arg512Cys; replaces arginine 512 with cysteine.
Molecular consequence: missense variant.
Genome position (GRCh38, 1-based): chr17:82,091,028, G>A on the plus strand (C>T on the coding strand, the complement: FASN is on the minus strand). VCF-style: chr17-82091028-G-A. GRCh37 (hg19) VCF-style: chr17-80048904-G-A.
Other names: short protein forms R512C.
Identifiers: ClinVar variation 1006495 (VCV001006495.8), dbSNP rs767886787, ClinGen allele CA8853119.